The following is an entry in ClinVar:

NM_001127217.3(SMAD9):c.-37C>T

Gene: SMAD9 (SMAD family member 9; minus strand). Cytogenetic location: 13q13.3.
Variant type: single nucleotide variant.
Coding change: c.-37C>T on transcript NM_001127217.3 (MANE Select); 37 bases upstream of the start codon, C replaced by T.
Molecular consequence: 5 prime UTR variant.
Genome position (GRCh38, 1-based): chr13:36,879,726, G>A on the plus strand (C>T on the coding strand, the complement: SMAD9 is on the minus strand). VCF-style: chr13-36879726-G-A. GRCh37 (hg19) VCF-style: chr13-37453863-G-A.
Other names: c.-37C>T (NM_001378621.1, NM_005905.6).
Identifiers: ClinVar variation 213809 (VCV000213809.2), dbSNP rs113331638, ClinGen allele CA320376.

ClinVar aggregate classification (germline): Benign. Review status: criteria provided, multiple submitters, no conflicts (2 of 4 stars). 2 submissions from 2 submitters: Benign (2). Last evaluated 2015-06-23.

Allele frequency attached by ClinVar (database versions not stated): gnomAD 0.00833 and 0.00886; ESP Exome Variant Server 0.01040; ExAC 0.00265; 1000 Genomes Project 0.00919; TOPMed 0.00939; gnomAD exomes 0.00222 and 0.00087; 1000 Genomes Project 30x 0.01015.
gnomAD v4.1: 2,592 of 1,610,792 alleles (0.16%); highest among the groups gnomAD compares: African/African-American, 2.8%; 34 homozygotes.

Submissions (2):

GeneDx
Classification: Benign. Last evaluated: 2015-06-23. Review status: criteria provided, single submitter. Criteria: GeneDx Variant Classification (06012015). Collection method: clinical testing. Allele origin: germline. Affected: yes.
Comment: This variant is considered likely benign or benign based on one or more of the following criteria: it is a conservative change, it occurs at a poorly conserved position in the protein, it is predicted to be benign by multiple in silico algorithms, and/or has population frequency not consistent with disease.

Breakthrough Genomics
Classification: Benign. Review status: criteria provided, single submitter. Criteria: ACMG Guidelines, 2015. Collection method: not provided. Allele origin: germline. Inheritance: Autosomal dominant inheritance. Affected: yes.